The following is an entry in ClinVar:

NM_000540.3(RYR1):c.12605C>T (p.Ala4202Val)

Gene: RYR1 (ryanodine receptor 1; plus strand). Cytogenetic location: 19q13.2.
Variant type: single nucleotide variant.
Coding change: c.12605C>T on transcript NM_000540.3 (MANE Select); coding-DNA position 12605, C replaced by T.
Protein change: p.Ala4202Val; replaces alanine 4202 with valine.
Molecular consequence: missense variant.
Genome position (GRCh38, 1-based): chr19:38,561,435, C>T. VCF-style: chr19-38561435-C-T. GRCh37 (hg19) VCF-style: chr19-39052075-C-T.
Other names: c.12590C>T, p.Ala4197Val (NM_001042723.2); short protein forms A4197V, A4202V.
Identifiers: ClinVar variation 2802825 (VCV002802825.3), dbSNP rs1344865950, ClinGen allele CA405669884.

ClinVar aggregate classification (germline): Uncertain significance (1 of 4 stars; one submission).

Conditions:
RYR1-related disorder. Also called: RYR1-related condition; RYR1-related disorders. Identifiers: MedGen CN239331.

Submission:

Labcorp Genetics (formerly Invitae), Labcorp
Classification: Uncertain significance for RYR1-related disorder. Last evaluated: 2023-06-30. Review status: criteria provided, single submitter. Criteria: Invitae Variant Classification Sherloc (09022015). Collection method: clinical testing. Allele origin: germline.
Comment: In summary, the available evidence is currently insufficient to determine the role of this variant in disease. Therefore, it has been classified as a Variant of Uncertain Significance. Advanced modeling of protein sequence and biophysical properties (such as structural, functional, and spatial information, amino acid conservation, physicochemical variation, residue mobility, and thermodynamic stability) performed at Invitae indicates that this missense variant is not expected to disrupt RYR1 protein function. This variant has not been reported in the literature in individuals affected with RYR1-related conditions. This variant is present in population databases (no rsID available, gnomAD 0.0009%). This sequence change replaces alanine, which is neutral and non-polar, with valine, which is neutral and non-polar, at codon 4202 of the RYR1 protein (p.Ala4202Val).